The following is an entry in ClinVar:

ClinVar aggregate classification (germline): Likely pathogenic (1 of 4 stars; one submission).

Conditions:
Intellectual developmental disorder, autosomal dominant 6, with or without seizures. Also called: GRIN2B-related developmental delay, intellectual disability and autism spectrum disorder; Intellectual disability, autosomal dominant 6. Identifiers: Orphanet 589547, MedGen C3151411, MONDO:0013509, OMIM 613970.

Submission:

Institute of Human Genetics, University of Leipzig Medical Center
Classification: Likely pathogenic for Intellectual developmental disorder, autosomal dominant 6, with or without seizures. Last evaluated: 2017-04-04. Review status: criteria provided, single submitter. Criteria: ACMG Guidelines, 2015. Collection method: clinical testing. Allele origin: de novo. Affected: yes.
Comment: This variant was identified as de novo (maternity and paternity confirmed).

Literature cited by the submitters: PubMed 28377535.

NM_000834.5(GRIN2B):c.2079A>T (p.Arg693Ser)

Gene: GRIN2B (glutamate ionotropic receptor NMDA type subunit 2B; minus strand). Cytogenetic location: 12p13.1.
Variant type: single nucleotide variant.
Coding change: c.2079A>T on transcript NM_000834.5 (MANE Select); coding-DNA position 2079, A replaced by T.
Protein change: p.Arg693Ser; replaces arginine 693 with serine.
Molecular consequence: missense variant.
Genome position (GRCh38, 1-based): chr12:13,571,896, T>A on the plus strand (A>T on the coding strand, the complement: GRIN2B is on the minus strand). VCF-style: chr12-13571896-T-A. GRCh37 (hg19) VCF-style: chr12-13724830-T-A.
Other names: short protein forms R693S.
Identifiers: ClinVar variation 916586 (VCV000916586.1), dbSNP rs1948713322, ClinGen allele CA383999578.
Genomic context (GRCh38, chr12:13,571,896, plus strand): 5'-ACCCCTCTGGTTGAACTTTCCCATGTAGGCATGCATTTCTGCATAGTTATTGCGAATATT[T>A]CTCTCTGTGCTGCCGTTGGGCACGGTCCCAAAGCGGAAAGGGGGTGAGAAGTCATTAGGT-3'
Protein context (NP_000825.2, residues 683-703): FGTVPNGSTE[Arg693Ser]NIRNNYAEMH